The following is an entry in ClinVar:

ClinVar aggregate classification (germline): Conflicting classifications of pathogenicity. Review status: criteria provided, conflicting classifications (1 of 4 stars). 2 submissions from 2 submitters: Uncertain significance (1); Likely benign (1). Last evaluated 2025-06-17.

Allele frequency attached by ClinVar (database versions not stated): TOPMed 0.00083; gnomAD exomes 0.00018; gnomAD 0.00071 and 0.00076; ExAC 0.00022; 1000 Genomes Project 30x 0.00078; ESP Exome Variant Server 0.00031; 1000 Genomes Project 0.00080.
gnomAD v4.1: 254 of 1,614,118 alleles (0.016%); highest among the groups gnomAD compares: African/African-American, 0.25%; no homozygotes.

Submissions (2):

GeneDx
Classification: Uncertain significance. Last evaluated: 2025-06-17. Review status: criteria provided, single submitter. Criteria: GeneDx Variant Classification Process June 2021. Collection method: clinical testing. Allele origin: germline. Affected: yes.
Comment: In silico analysis supports that this missense variant has a deleterious effect on protein structure/function; Has not been previously published as pathogenic or benign to our knowledge

Labcorp Genetics (formerly Invitae), Labcorp
Classification: Likely benign. Last evaluated: 2025-03-22. Review status: criteria provided, single submitter. Criteria: Invitae Variant Classification Sherloc (09022015). Collection method: clinical testing. Allele origin: germline.

NM_002296.4(LBR):c.1237C>T (p.Arg413Cys)

Gene: LBR (lamin B receptor; minus strand). Cytogenetic location: 1q42.12.
Variant type: single nucleotide variant.
Coding change: c.1237C>T on transcript NM_002296.4 (MANE Select); coding-DNA position 1237, C replaced by T.
Protein change: p.Arg413Cys; replaces arginine 413 with cysteine.
Molecular consequence: missense variant.
Genome position (GRCh38, 1-based): chr1:225,410,368, G>A on the plus strand (C>T on the coding strand, the complement: LBR is on the minus strand). VCF-style: chr1-225410368-G-A. GRCh37 (hg19) VCF-style: chr1-225598070-G-A.
Other names: c.1237C>T, p.Arg413Cys (NM_194442.3); short protein forms R413C.
Identifiers: ClinVar variation 716063 (VCV000716063.13), dbSNP rs144672633, ClinGen allele CA1417196.